The following is an entry in ClinVar:

NM_000428.3(LTBP2):c.667C>T (p.Pro223Ser)

Gene: LTBP2 (latent transforming growth factor beta binding protein 2; minus strand). Cytogenetic location: 14q24.3.
Variant type: single nucleotide variant.
Coding change: c.667C>T on transcript NM_000428.3 (MANE Select); coding-DNA position 667, C replaced by T.
Protein change: p.Pro223Ser; replaces proline 223 with serine.
Molecular consequence: missense variant.
Genome position (GRCh38, 1-based): chr14:74,586,017, G>A on the plus strand (C>T on the coding strand, the complement: LTBP2 is on the minus strand). VCF-style: chr14-74586017-G-A. GRCh37 (hg19) VCF-style: chr14-75052720-G-A.
Other names: short protein forms P223S.
Identifiers: ClinVar variation 2815081 (VCV002815081.3), dbSNP rs2502994979, ClinGen allele CA390383860.
Genomic context (GRCh38, chr14:74,586,017, plus strand): 5'-AACGCTCGGCCCAGCGTCGAGGTGCCAGCCTGGAGTTCTGGGGGTCAAATTCCTCATCGG[G>A]AATGACCTCCTCGCAGCGGGCTCCACGGAAACCAGAGCGGCAGACACAGAGCTGCGGGCG-3'
Protein context (NP_000419.1, residues 213-233): FRGARCEEVI[Pro223Ser]DEEFDPQNSR

ClinVar aggregate classification (germline): Uncertain significance (1 of 4 stars; one submission).

Submission:

Labcorp Genetics (formerly Invitae), Labcorp
Classification: Uncertain significance. Last evaluated: 2022-11-18. Review status: criteria provided, single submitter. Criteria: Invitae Variant Classification Sherloc (09022015). Collection method: clinical testing. Allele origin: germline.
Comment: In summary, the available evidence is currently insufficient to determine the role of this variant in disease. Therefore, it has been classified as a Variant of Uncertain Significance. Algorithms developed to predict the effect of missense changes on protein structure and function (SIFT, PolyPhen-2, Align-GVGD) all suggest that this variant is likely to be disruptive. This variant has not been reported in the literature in individuals affected with LTBP2-related conditions. This variant is not present in population databases (gnomAD no frequency). This sequence change replaces proline, which is neutral and non-polar, with serine, which is neutral and polar, at codon 223 of the LTBP2 protein (p.Pro223Ser).